The following is an entry in ClinVar:

NM_000053.4(ATP7B):c.3417A>C (p.Ala1139=)

Gene: ATP7B (ATPase copper transporting beta; minus strand). Cytogenetic location: 13q14.3.
Variant type: single nucleotide variant.
Coding change: c.3417A>C on transcript NM_000053.4 (MANE Select); coding-DNA position 3417, A replaced by C.
Protein change: p.Ala1139=; no amino-acid change (alanine 1139 retained).
Molecular consequence: synonymous variant.
Genome position (GRCh38, 1-based): chr13:51,941,220, T>G on the plus strand (A>C on the coding strand, the complement: ATP7B is on the minus strand). VCF-style: chr13-51941220-T-G. GRCh37 (hg19) VCF-style: chr13-52515356-T-G.
Other names: c.2796A>C, p.Ala932= (NM_001005918.3); c.3084A>C, p.Ala1028= (NM_001243182.2); c.3183A>C, p.Ala1061= (NM_001330578.2); c.3165A>C, p.Ala1055= (NM_001330579.2); c.3417A>C (NM_000053.3).
Identifiers: ClinVar variation 1669800 (VCV001669800.38), dbSNP rs769949202, ClinGen allele CA6988689.

ClinVar aggregate classification (germline): Likely benign. Review status: criteria provided, multiple submitters, no conflicts (2 of 4 stars). 6 submissions from 6 submitters: Likely benign (6). Last evaluated 2025-08-13.

Conditions:
ATP7B-related disorder. Also called: ATP7B-related condition.
Inborn genetic diseases. Identifiers: MedGen C0950123, MeSH D030342.
Wilson disease (WND). Also called: Wilson's disease. Identifiers: Orphanet 905, MedGen C0019202, MONDO:0010200, OMIM 277900. Disease mechanism: loss of function.

Allele frequency attached by ClinVar (database versions not stated): gnomAD exomes below 0.00001; ExAC 0.00001; gnomAD 0.00003; TOPMed 0.00003.
gnomAD v4.1: 14 of 1,614,024 alleles (0.00087%); highest among the groups gnomAD compares: Non-Finnish European, 0.0012%; no homozygotes.

Submissions (6):

Labcorp Genetics (formerly Invitae), Labcorp
Classification: Likely benign for Wilson disease. Last evaluated: 2025-08-13. Review status: criteria provided, single submitter. Criteria: Invitae Variant Classification Sherloc (09022015). Collection method: clinical testing. Allele origin: germline.

PreventionGenetics, part of Exact Sciences
Classification: Likely benign for ATP7B-related condition. Last evaluated: 2025-02-12. Review status: criteria provided, single submitter. Criteria: ACMG Guidelines, 2015. Collection method: clinical testing. Allele origin: germline.
Comment: This variant is classified as likely benign based on ACMG/AMP sequence variant interpretation guidelines (Richards et al. 2015 PMID: 25741868, with internal and published modifications).

All of Us Research Program, National Institutes of Health
Classification: Likely benign for Wilson disease. Last evaluated: 2024-08-13. Review status: criteria provided, single submitter. Criteria: ACMG Guidelines, 2015. Collection method: clinical testing. Allele origin: germline. Inheritance: Autosomal recessive inheritance. Observed: 9 variant alleles, 9 heterozygotes.
Comment: This study involves interpretation of variants in research participants for the purpose of population health screening. Participant phenotype was not available at the time of variant classification. Additional details can be found in publication PMID: 35346344, PMCID: PMC8962531

Color Diagnostics, LLC DBA Color Health
Classification: Likely benign for Wilson disease. Last evaluated: 2023-12-04. Review status: criteria provided, single submitter. Criteria: ACMG Guidelines, 2015. Collection method: clinical testing. Allele origin: germline.

Ambry Genetics
Classification: Likely benign for Inborn genetic diseases. Last evaluated: 2023-07-12. Review status: criteria provided, single submitter. Criteria: Ambry Variant Classification Scheme 2023. Collection method: clinical testing. Allele origin: germline.

CeGaT Center for Human Genetics Tuebingen
Classification: Likely benign. Last evaluated: 2022-12-01. Review status: criteria provided, single submitter. Criteria: CeGaT Center For Human Genetics Tuebingen Variant Classification Criteria Version 2. Collection method: clinical testing. Allele origin: germline. Affected: yes. Observed: 1 variant allele.
Comment: ATP7B: BP4, BP7